The following is an entry in ClinVar:

NM_002222.5(ITPR1):c.*1385A>G

Gene: ITPR1 (inositol 1,4,5-trisphosphate receptor type 1; plus strand). Cytogenetic location: 3p26.1.
Variant type: single nucleotide variant.
Coding change: c.*1385A>G on transcript NM_002222.5; 1385 bases downstream of the stop codon, A replaced by G.
Genome position (GRCh38, 1-based): chr3:4,847,610, A>G. VCF-style: chr3-4847610-A-G. GRCh37 (hg19) VCF-style: chr3-4889294-A-G.
Identifiers: ClinVar variation 345925 (VCV000345925.7), dbSNP rs9875113, ClinGen allele CA10619085.

ClinVar aggregate classification (germline): Benign (1 of 4 stars; one submission).

Conditions:
Autosomal dominant cerebellar ataxia. Also called: Spinocerebellar Ataxia, Dominant. Identifiers: Orphanet 99, MedGen C4087347, MONDO:0020380.

Allele frequency attached by ClinVar (database versions not stated): TOPMed 0.04041; gnomAD 0.04159 and 0.04521; 1000 Genomes Project 30x 0.08167; 1000 Genomes Project 0.08446.

Submission:

Illumina Laboratory Services, Illumina
Classification: Benign for Spinocerebellar Ataxia, Dominant. Last evaluated: 2018-01-13. Review status: criteria provided, single submitter. Criteria: ICSL Variant Classification Criteria 13 December 2019. Collection method: clinical testing. Allele origin: germline.
Comment: This variant was observed in the ICSL laboratory as part of a predisposition screen in an ostensibly healthy population. It had not been previously curated by ICSL or reported in the Human Gene Mutation Database (HGMD: prior to June 1st, 2018), and was therefore a candidate for classification through an automated scoring system. Utilizing variant allele frequency, disease prevalence and penetrance estimates, and inheritance mode, an automated score was calculated to assess if this variant is too frequent to cause the disease. Based on the score and internal cut-off values, a variant classified as benign is not then subjected to further curation. The score for this variant resulted in a classification of benign for this disease.